The following is an entry in ClinVar:

ClinVar aggregate classification (germline): Uncertain significance. Review status: criteria provided, multiple submitters, no conflicts (2 of 4 stars). 2 submissions from 2 submitters: Uncertain significance (2). Last evaluated 2024-01-17.

Conditions:
Inborn genetic diseases. Identifiers: MedGen C0950123, MeSH D030342.
46,XY sex reversal 2. Also called: NR0B1-Related 46,XY CGD; NR0B1-related 46,XY complete gonadal dysgenesis; Dosage-sensitive sex reversal; 46XY sex reversal 2, dosage-sensitive; 46,XY SEX REVERSAL, DAX1-RELATED. Identifiers: MedGen C1848296, MONDO:0010226, OMIM 300018.
Congenital adrenal hypoplasia, X-linked (AHC). Also called: Isolated X-Linked Adrenal Hypoplasia Congenita; ADRENAL HYPOPLASIA, CONGENITAL, WITH HYPOGONADOTROPIC HYPOGONADISM; X-linked AHC; X-Linked Adrenal Hypoplasia Congenita. Identifiers: Orphanet 95702, MedGen C0342482, MONDO:0010264, OMIM 300200. Disease mechanism: loss of function.

gnomAD v4.1: 4 of 1,198,644 alleles (0.00033%); highest among the groups gnomAD compares: Non-Finnish European, 0.00045%; no homozygotes.

Submissions (2):

Ambry Genetics
Classification: Uncertain significance for Inborn genetic diseases. Last evaluated: 2024-01-17. Review status: criteria provided, single submitter. Criteria: Ambry Variant Classification Scheme 2023. Collection method: clinical testing. Allele origin: germline.

Labcorp Genetics (formerly Invitae), Labcorp
Classification: Uncertain significance for Congenital adrenal hypoplasia, X-linked; 46,XY sex reversal 2. Last evaluated: 2021-11-02. Review status: criteria provided, single submitter. Criteria: Invitae Variant Classification Sherloc (09022015). Collection method: clinical testing. Allele origin: germline.
Comment: This sequence change replaces arginine, which is basic and polar, with leucine, which is neutral and non-polar, at codon 65 of the NR0B1 protein (p.Arg65Leu). This variant is not present in population databases (gnomAD no frequency). This variant has not been reported in the literature in individuals affected with NR0B1-related conditions. Algorithms developed to predict the effect of missense changes on protein structure and function are either unavailable or do not agree on the potential impact of this missense change (SIFT: "Deleterious"; PolyPhen-2: "Probably Damaging"; Align-GVGD: "Class C0"). In summary, the available evidence is currently insufficient to determine the role of this variant in disease. Therefore, it has been classified as a Variant of Uncertain Significance.

NM_000475.5(NR0B1):c.194G>T (p.Arg65Leu)

Gene: NR0B1 (nuclear receptor subfamily 0 group B member 1; minus strand). Cytogenetic location: Xp21.2.
Variant type: single nucleotide variant.
Coding change: c.194G>T on transcript NM_000475.5 (MANE Select); coding-DNA position 194, G replaced by T.
Protein change: p.Arg65Leu; replaces arginine 65 with leucine.
Molecular consequence: missense variant.
Genome position (GRCh38, 1-based): chrX:30,309,170, C>A on the plus strand (G>T on the coding strand, the complement: NR0B1 is on the minus strand). VCF-style: chrX-30309170-C-A. GRCh37 (hg19) VCF-style: chrX-30327287-C-A.
Other names: c.194G>T (NM_000475.4); short protein forms R65L.
Identifiers: ClinVar variation 1435405 (VCV001435405.4), dbSNP rs1926600775, ClinGen allele CA412549279.